The following is an entry in ClinVar:

NM_004168.4(SDHA):c.227C>T (p.Ala76Val)

Gene: SDHA (succinate dehydrogenase complex flavoprotein subunit A; plus strand). Cytogenetic location: 5p15.33.
Variant type: single nucleotide variant.
Coding change: c.227C>T on transcript NM_004168.4 (MANE Select); coding-DNA position 227, C replaced by T.
Protein change: p.Ala76Val; replaces alanine 76 with valine.
Molecular consequence: missense variant.
Genome position (GRCh38, 1-based): chr5:224,436, C>T. VCF-style: chr5-224436-C-T. GRCh37 (hg19) VCF-style: chr5-224551-C-T.
Other names: c.227C>T, p.Ala76Val (NM_001294332.2, NM_001330758.2); short protein forms A76V.
Identifiers: ClinVar variation 1434584 (VCV001434584.8), dbSNP rs1734888838, ClinGen allele CA359008525.
Genomic context (GRCh38, chr5:224,436, plus strand): 5'-CAGTAGTGGATCATGAATTTGATGCAGTGGTGGTAGGCGCTGGAGGGGCAGGCTTGCGAG[C>T]TGCATTTGGCCTTTCTGAGGCAGGGTTTAATACAGCATGTGTTACCAAGCTGTTTCCTAC-3'
Protein context (NP_004159.2, residues 66-86): VVGAGGAGLR[Ala76Val]AFGLSEAGFN

ClinVar aggregate classification (germline): Uncertain significance (1 of 4 stars; one submission).

Conditions:
Mitochondrial complex II deficiency, nuclear type 1. Also called: SUCCINATE CoQ REDUCTASE DEFICIENCY. Identifiers: Orphanet 3208, MedGen C5700310, MONDO:0100294, OMIM 252011.
Pheochromocytoma/paraganglioma syndrome 5. Also called: Paragangliomas 5; SDHA-Related Hereditary Paraganglioma-Pheochromocytoma Syndrome. Identifiers: Orphanet 29072, MedGen C3279992, MONDO:0013602, OMIM 614165.

Submission:

Labcorp Genetics (formerly Invitae), Labcorp
Classification: Uncertain significance for Pheochromocytoma/paraganglioma syndrome 5; Mitochondrial complex II deficiency, nuclear type 1. Last evaluated: 2021-04-04. Review status: criteria provided, single submitter. Criteria: Invitae Variant Classification Sherloc (09022015). Collection method: clinical testing. Allele origin: germline.
Comment: This sequence change replaces alanine with valine at codon 76 of the SDHA protein (p.Ala76Val). The alanine residue is highly conserved and there is a small physicochemical difference between alanine and valine. In summary, the available evidence is currently insufficient to determine the role of this variant in disease. Therefore, it has been classified as a Variant of Uncertain Significance. Algorithms developed to predict the effect of missense changes on protein structure and function (SIFT, PolyPhen-2, Align-GVGD) all suggest that this variant is likely to be disruptive, but these predictions have not been confirmed by published functional studies and their clinical significance is uncertain. This variant has not been reported in the literature in individuals with SDHA-related conditions. This variant is not present in population databases (ExAC no frequency).